The following is an entry in ClinVar:

Conditions:
Breast-ovarian cancer, familial, susceptibility to, 1 (BROVCA1). Also called: BRCA1 Hereditary Breast and Ovarian Cancer; OVARIAN CANCER, SUSCEPTIBILITY TO. Identifiers: Orphanet 145, MedGen C2676676, MONDO:0011450, OMIM 604370. Disease mechanism: loss of function.

Submission:

Brotman Baty Institute, University of Washington
No classification provided (evidence only). Condition: Breast-ovarian cancer, familial 1. Review status: no classification provided. Collection method: in vitro. Allele origin: not applicable. Functional consequence: function_uncertain_variant.
ClinVar note: "not provided" was previously submitted as the classification for the variant. However, the classification appeared to be based only on an observation of functional data so it was converted to no classification on 2025-07-30.

NM_007294.4(BRCA1):c.158A>C (p.Asn53Thr)

Gene: BRCA1 (BRCA1 DNA repair associated; minus strand). Cytogenetic location: 17q21.31.
Variant type: single nucleotide variant.
Coding change: c.158A>C on transcript NM_007294.4 (MANE Select); coding-DNA position 158, A replaced by C.
Protein change: p.Asn53Thr; replaces asparagine 53 with threonine.
Molecular consequence: missense variant. On other transcripts: non-coding transcript variant (1).
Genome position (GRCh38, 1-based): chr17:43,106,510, T>G on the plus strand (A>C on the coding strand, the complement: BRCA1 is on the minus strand). VCF-style: chr17-43106510-T-G. GRCh37 (hg19) VCF-style: chr17-41258527-T-G.
Other names: c.-31A>C (NM_001408507.1, NM_001408508.1, NM_001408509.1 and 58 more transcripts); c.17A>C, p.Asn6Thr (NM_001408511.1, NM_007297.4, NM_001407692.1 and 99 more transcripts); c.158A>C, p.Asn53Thr (NM_007298.4, NM_007299.4, NM_007300.4 and 168 more transcripts); short protein forms N53T, N6T.
Identifiers: ClinVar variation 867898 (VCV000867898.3), dbSNP rs1438140067, ClinGen allele CA10601841.
Genomic context (GRCh38, chr17:43,106,510, plus strand): 5'-ATATACCTTTTGGTTATATCATTCTTACATAAAGGACACTGTGAAGGCCCTTTCTTCTGG[T>G]TGAGAAGTTTCAGCATGCAAAATCTATAAATTATAAAGAAAGAAAGAACAATTTAATTTA-3'
Protein context (NP_009225.1, residues 43-63): FCKFCMLKLL[Asn53Thr]QKKGPSQCPL